The following is an entry in ClinVar:

NM_000329.3(RPE65):c.1207_1210dup (p.Glu404fs)

Gene: RPE65 (retinoid isomerohydrolase RPE65; minus strand). Cytogenetic location: 1p31.3.
Variant type: Microsatellite.
Coding change: c.1207_1210dup on transcript NM_000329.3 (MANE Select); coding-DNA positions 1207 to 1210, 4 bases duplicated (CTGG; older notation c.1207_1210dupCTGG).
Protein change: p.Glu404fs; shifts the reading frame from glutamic acid 404.
Molecular consequence: frameshift variant.
Genome position (GRCh38, 1-based): chr1:68,431,504-68,431,507, CCAG duplicated on the plus strand (CTGG on the coding strand, the reverse complement: RPE65 is on the minus strand); duplicating any 4 consecutive bases within chr1:68,431,504-68,431,511 gives the same sequence; the c. name uses the placement nearest the transcript's 3' end. VCF-style (leftmost placement, unchanged base first): chr1-68431503-T-TCCAG. GRCh37 (hg19) VCF-style: chr1-68897186-T-TCCAG.
Other names: NM_000329.3(RPE65):c.1207_1210dup; p.Glu404fs; short protein forms E404fs.
Identifiers: ClinVar variation 98831 (VCV000098831.54), dbSNP rs62636295, ClinGen allele CA226492.

ClinVar aggregate classification (germline): Pathogenic. Review status: reviewed by expert panel (3 of 4 stars). 9 submissions from 9 submitters: Pathogenic (1). 8 of the submissions do not count toward it. Last evaluated 2025-03-31.

Conditions:
RPE65-related recessive retinopathy. Also called: Recessive RPE65 retinopathy. Identifiers: MedGen CN305526, MONDO:0100368.
RPE65-related disorder. Also called: RPE65-related condition; RPE65-related disorders. Identifiers: MedGen CN239301.
Retinal dystrophy. Also called: Inherited retinal dystrophy. Identifiers: Orphanet 71862, MedGen C0854723, MeSH D058499, MONDO:0019118, HP:0000556.
Leber congenital amaurosis 2 (LCA2). Also called: AMAUROSIS CONGENITA OF LEBER II; Autosomal Recessive RPE65-Related Retinal Degeneration. Identifiers: Orphanet 65, MedGen C1859844, MONDO:0008765, OMIM 204100. Disease mechanism: loss of function.
Retinitis pigmentosa 20 (RP20). Identifiers: Orphanet 791, MedGen C3151086, MONDO:0013425, OMIM 613794.
Leber congenital amaurosis (LCA). Also called: Leber's amaurosis. Identifiers: Orphanet 65, MedGen C0339527, MeSH D057130, MONDO:0018998.

Submissions (9):

ClinGen Leber Congenital Amaurosis/early Onset Retinal Dystrophy Variant Curation Expert Panel, ClinGen
Classification: Pathogenic for RPE65-related recessive retinopathy. Last evaluated: 2025-03-31. Review status: reviewed by expert panel. Criteria: ClinGen LCAeoRD ACMG Specifications RPE65 V1.0.0. Collection method: curation. Allele origin: germline. Inheritance: Autosomal recessive inheritance.
Comment: The NM_000329.3(RPE65):c.1207_1210dup (p.Glu404AlafsTer4) frameshift variant introduces a premature stop codon into exon 11 of 14 and is predicted to lead to nonsense-mediated decay in a gene in which loss-of-function is an established mechanism of disease (PVS1). This variant has also been reported in 1 proband with early-onset severe retinal dystrophy who was compound heterozygous with the NM_000329.2 c.1338+1 G>A variant confirmed in trans (1 point, PMID 32367544), which was previously classified pathogenic by the ClinGen LCA / eoRD VCEP (PM3). The variant has been reported to segregate with childhood-onset severe retinal dystrophy through the proband plus 1 similarly affected relative, with the variant present in the compound heterozygous state. (PP1; PMID: 32367544). At least one proband harboring this variant was tested by exome sequencing (2.0 pts) and exhibits a phenotype including optic disc pallor (0.5 pts), pigmentary retinopathy with attenuated vessels (0.5 pts), poor pupillary light response (0.5 pts), RPE mottling (0.5 pts), macular atrophy (0.5 pts), and decreased peripheral (1.0 pt) and central vision (1.0 pt) which together are specific for RPE65-related recessive retinopathy (6.5) points, (PMID: 32367544, PP4). This variant is present in gnomAD v.4.1.0 at a GrpMax allele frequency of 2.800e-7 with 3/1613960 alleles in the European (non-Finnish) population, which is lower than the ClinGen LCA / eoRD VCEP PM2_Supporting threshold of <0.0002 (PM2_supporting). In summary, this variant meets the criteria to be classified as pathogenic for RPE65-related recessive retinopathy based on the ACMG/AMP criteria applied, as specified by the ClinGen LCA / eoRD VCEP: PVS1, PM2_supporting, PM3, PP1 and PP4. (VCEP specifications version 1.0.0; date of approval 09/21/2023).

Labcorp Genetics (formerly Invitae), Labcorp
Classification: Pathogenic for Leber congenital amaurosis 2; Retinitis pigmentosa 20. Last evaluated: 2025-02-11. Review status: criteria provided, single submitter. Criteria: Invitae Variant Classification Sherloc (09022015). Collection method: clinical testing. Allele origin: germline. Not counted in ClinVar's aggregate classification.
Comment: This sequence change creates a premature translational stop signal (p.Glu404Alafs*4) in the RPE65 gene. It is expected to result in an absent or disrupted protein product. Loss-of-function variants in RPE65 are known to be pathogenic (PMID: 9326941, 9501220, 9843205, 18632300). This variant is not present in population databases (gnomAD no frequency). This premature translational stop signal has been observed in individual(s) with autosomal recessive inherited retinal dystrophy (PMID: 9501220). In at least one individual the data is consistent with being in trans (on the opposite chromosome) from a pathogenic variant. This variant is also known as Glu404(4-bp ins). For these reasons, this variant has been classified as Pathogenic.

Natera, Inc.
Classification: Pathogenic for Leber congenital amaurosis. Last evaluated: 2025-01-17. Review status: criteria provided, single submitter. Criteria: Natera Variant Classification Schema (03/2026). Collection method: clinical testing. Allele origin: germline. Not counted in ClinVar's aggregate classification.
Comment: The c.1207_1210dupCTGG variant in RPE65 is a frameshift variant predicted to shift the reading frame beginning at codon 404 and leads to a stop codon 4 codons downstream. This variant is expected to result in nonsense mediated decay, truncation, or a dysfunctional protein product. This variant is rare in the general population with a frequency below the threshold expected for the associated phenotype(s). This variant has been observed in one or more individuals affected with the associated recessive disease, as either homozygous or compound heterozygous with a second variant (PMID: 35129589). Additionally, this variant has been observed to segregate in affected family members (PMID: 35129589). Given the available evidence, this variant is classified as Pathogenic.

Blueprint Genetics
Classification: Pathogenic for RPE65-related disorders. Last evaluated: 2024-09-19. Review status: criteria provided, single submitter. Criteria: ACMG Guidelines, 2015. Collection method: clinical testing. Allele origin: germline. Affected: yes. Observed: 5 variant alleles. Not counted in ClinVar's aggregate classification.

Myriad Genetics, Inc.
Classification: Pathogenic for RPE65-related recessive retinopathy. Last evaluated: 2024-05-14. Review status: criteria provided, single submitter. Criteria: Myriad Autosomal Dominant, Autosomal Recessive and X-Linked Classification Criteria (2023). Collection method: clinical testing. Allele origin: unknown. Not counted in ClinVar's aggregate classification.
Comment: NM_000329.2(RPE65):c.1207_1210dupCTGG(E404Afs*4) is expected to be pathogenic in the context of inherited retinal dystrophy, RPE65-related. This variant is predicted to lead to an abnormal or absent protein product due to the creation of a premature termination codon in RPE65, a gene where loss-of-function variants are known to be pathogenic. Please note: this variant was assessed in the context of healthy population screening.

Baylor Genetics
Classification: Pathogenic for Leber congenital amaurosis 2. Last evaluated: 2024-03-06. Review status: criteria provided, single submitter. Criteria: ACMG Guidelines, 2015. Collection method: clinical testing. Allele origin: unknown. Not counted in ClinVar's aggregate classification.

CeGaT Center for Human Genetics Tuebingen
Classification: Pathogenic. Last evaluated: 2020-08-01. Review status: criteria provided, single submitter. Criteria: CeGaT Center For Human Genetics Tuebingen Variant Classification Criteria Version 2. Collection method: clinical testing. Allele origin: germline. Affected: yes. Observed: 4 variant alleles. Not counted in ClinVar's aggregate classification.

Institute of Human Genetics, Univ. Regensburg, Univ. Regensburg
Classification: Pathogenic for Retinal dystrophy. Last evaluated: 2019-01-01. Review status: no assertion criteria provided. Criteria: ACMG Guidelines, 2015. Collection method: clinical testing. Allele origin: germline. Affected: yes. Not counted in ClinVar's aggregate classification.

Retina International
No classification provided. Review status: no classification provided. Collection method: not provided. Allele origin: not provided. Not counted in ClinVar's aggregate classification.

Literature cited by the submitters: PubMed 9326941 (cited by Labcorp Genetics (formerly Invitae), Labcorp); PubMed 9501220 (cited by Labcorp Genetics (formerly Invitae), Labcorp); PubMed 9843205 (cited by Labcorp Genetics (formerly Invitae), Labcorp); PubMed 18632300 (cited by Labcorp Genetics (formerly Invitae), Labcorp); PubMed 35129589 (cited by Natera, Inc.).